The following is an entry in ClinVar:

Conditions:
Breast-ovarian cancer, familial, susceptibility to, 1 (BROVCA1). Also called: BRCA1 Hereditary Breast and Ovarian Cancer; OVARIAN CANCER, SUSCEPTIBILITY TO. Identifiers: Orphanet 145, MedGen C2676676, MONDO:0011450, OMIM 604370. Disease mechanism: loss of function.

Submission:

Brotman Baty Institute, University of Washington
No classification provided (evidence only). Condition: Breast-ovarian cancer, familial 1. Review status: no classification provided. Collection method: in vitro. Allele origin: not applicable. Functional consequence: functionally_abnormal.
ClinVar note: "not provided" was previously submitted as the classification for the variant. However, the classification appeared to be based only on an observation of functional data so it was converted to no classification on 2025-07-30.

NM_007294.4(BRCA1):c.5152+4A>T

Gene: BRCA1 (BRCA1 DNA repair associated; minus strand). Cytogenetic location: 17q21.31.
Variant type: single nucleotide variant.
Coding change: c.5152+4A>T on transcript NM_007294.4 (MANE Select); 4 bases into the intron after coding-DNA position 5152, A replaced by T.
Molecular consequence: intron variant.
Genome position (GRCh38, 1-based): chr17:43,063,870, T>A on the plus strand (A>T on the coding strand, the complement: BRCA1 is on the minus strand). VCF-style: chr17-43063870-T-A. GRCh37 (hg19) VCF-style: chr17-41215887-T-A.
Other names: c.1699+4A>T (NM_001408458.1, NM_001408461.1, NM_001408464.1 and 7 more transcripts); c.4261+4A>T (NM_001407967.1); c.4771+4A>T (NM_001407959.1); c.4885+4A>T (NM_001407931.1, NM_001407932.1, NM_001407928.1 and 4 more transcripts); c.5008+4A>T (NM_001407747.1, NM_001407745.1, NM_001407737.1 and 21 more transcripts); c.4768+4A>T (NM_001407962.1, NM_001407960.1); c.1339+4A>T (NM_001408512.1); c.1462+4A>T (NM_001408510.1); and 73 more.
Identifiers: ClinVar variation 867707 (VCV000867707.3), dbSNP rs397509232, ClinGen allele CA916080124.
Genomic context (GRCh38, chr17:43,063,870, plus strand): 5'-TTAGGTGTAAAAATGCAATTCTGAGGTGTTAAAGGGAGGAGGGGAGAAATAGTATTATAC[T>A]TACAGAAATAGCTAACTACCCATTTTCCTCCCGCAATTCCTAGAAAATATTTCAGTGTCC-3'